The following is an entry in ClinVar:

NM_000057.4(BLM):c.2824-1G>C

Gene: BLM (BLM RecQ like helicase; plus strand). Cytogenetic location: 15q26.1.
Variant type: single nucleotide variant.
Coding change: c.2824-1G>C on transcript NM_000057.4 (MANE Select); the canonical splice acceptor site of the intron before coding-DNA position 2824, G replaced by C.
Molecular consequence: splice acceptor variant.
Genome position (GRCh38, 1-based): chr15:90,790,648, G>C. VCF-style: chr15-90790648-G-C. GRCh37 (hg19) VCF-style: chr15-91333878-G-C.
Other names: c.2824-1G>C (NM_001287246.2, NM_001287247.2); c.1699-1G>C (NM_001287248.2).
Identifiers: ClinVar variation 551820 (VCV000551820.8), dbSNP rs1555423062, ClinGen allele CA393846213.

ClinVar aggregate classification (germline): Likely pathogenic. Review status: criteria provided, single submitter (1 of 4 stars). 2 submissions from 2 submitters: Likely pathogenic (1). 1 of the submissions does not count toward it. Last evaluated 2021-08-06.

Conditions:
Bloom syndrome (BLM). Also called: Bloom-Torre-Machacek syndrome. Identifiers: Orphanet 125, MedGen C0005859, MONDO:0008876, OMIM 210900.

Allele frequency attached by ClinVar (database versions not stated): gnomAD exomes below 0.00001.
gnomAD v4.1: 2 of 1,613,960 alleles (0.00012%); highest among the groups gnomAD compares: Non-Finnish European, 0.000085%; no homozygotes.

Submissions (2):

Labcorp Genetics (formerly Invitae), Labcorp
Classification: Likely pathogenic for Bloom syndrome. Last evaluated: 2021-08-06. Review status: criteria provided, single submitter. Criteria: Invitae Variant Classification Sherloc (09022015). Collection method: clinical testing. Allele origin: germline.
Comment: In summary, the currently available evidence indicates that the variant is pathogenic, but additional data are needed to prove that conclusively. Therefore, this variant has been classified as Likely Pathogenic. Algorithms developed to predict the effect of sequence changes on RNA splicing suggest that this variant may disrupt the consensus splice site. ClinVar contains an entry for this variant (Variation ID: 551820). This variant has not been reported in the literature in individuals affected with BLM-related conditions. This variant is not present in population databases (ExAC no frequency). This sequence change affects an acceptor splice site in intron 14 of the BLM gene. It is expected to disrupt RNA splicing. Variants that disrupt the donor or acceptor splice site typically lead to a loss of protein function (PMID: 16199547), and loss-of-function variants in BLM are known to be pathogenic (PMID: 17407155).

Counsyl
Classification: Likely pathogenic for Bloom syndrome. Last evaluated: 2017-05-10. Review status: no assertion criteria provided. Collection method: clinical testing. Allele origin: unknown. Not counted in ClinVar's aggregate classification.

Literature cited by the submitters: PubMed 16199547 (cited by Labcorp Genetics (formerly Invitae), Labcorp); PubMed 17407155 (cited by Labcorp Genetics (formerly Invitae), Labcorp).